The following is an entry in ClinVar:

ClinVar aggregate classification (germline): Pathogenic (1 of 4 stars; one submission).

Conditions:
Holocarboxylase synthetase deficiency. Also called: MULTIPLE CARBOXYLASE DEFICIENCY, EARLY ONSET. Identifiers: Orphanet 79242, MedGen C0268581, MONDO:0009666, OMIM 253270.

Submission:

Labcorp Genetics (formerly Invitae), Labcorp
Classification: Pathogenic for Holocarboxylase synthetase deficiency. Last evaluated: 2023-07-16. Review status: criteria provided, single submitter. Criteria: Invitae Variant Classification Sherloc (09022015). Collection method: clinical testing. Allele origin: germline.
Comment: For these reasons, this variant has been classified as Pathogenic. This variant has not been reported in the literature in individuals affected with HLCS-related conditions. This variant is not present in population databases (gnomAD no frequency). This sequence change creates a premature translational stop signal (p.Pro490Argfs*6) in the HLCS gene. It is expected to result in an absent or disrupted protein product. Loss-of-function variants in HLCS are known to be pathogenic (PMID: 16134170).

Literature cited by the submitters: PubMed 16134170.

NM_001352514.2(HLCS):c.1910del (p.Pro637fs)

Gene: HLCS (holocarboxylase synthetase; minus strand). Cytogenetic location: 21q22.13.
Variant type: Deletion.
Coding change: c.1910del on transcript NM_001352514.2 (MANE Select); coding-DNA position 1910, one base deleted (C; older notation c.1910delC).
Protein change: p.Pro637fs; shifts the reading frame from proline 637.
Molecular consequence: frameshift variant. On other transcripts: non-coding transcript variant (2).
Genome position (GRCh38, 1-based): chr21:36,767,268, G deleted on the plus strand (C on the coding strand, the reverse complement: HLCS is on the minus strand); the first of 2 consecutive G bases (chr21:36,767,268-36,767,269); deleting either gives the same sequence. VCF-style (leftmost placement, unchanged base first): chr21-36767267-CG-C. GRCh37 (hg19) VCF-style: chr21-38139568-CG-C.
Other names: c.1469del, p.Pro490fs (NM_000411.8, NM_001242784.3, NM_001242785.2 and 4 more transcripts); short protein forms P490fs, P637fs.
Identifiers: ClinVar variation 2737075 (VCV002737075.3), dbSNP rs2516880393, ClinGen allele CA2697547504.